The following is an entry in ClinVar:

NM_000038.6(APC):c.2359A>G (p.Ser787Gly)

Gene: APC (APC regulator of Wnt signaling pathway; plus strand). Cytogenetic location: 5q22.2.
Variant type: single nucleotide variant.
Coding change: c.2359A>G on transcript NM_000038.6 (MANE Select); coding-DNA position 2359, A replaced by G.
Protein change: p.Ser787Gly; replaces serine 787 with glycine.
Molecular consequence: missense variant.
Genome position (GRCh38, 1-based): chr5:112,837,953, A>G. VCF-style: chr5-112837953-A-G. GRCh37 (hg19) VCF-style: chr5-112173650-A-G.
Other names: c.2056A>G, p.Ser686Gly (NM_001354903.2); c.2359A>G, p.Ser787Gly (NM_001127510.3, NM_001354895.2); c.2305A>G, p.Ser769Gly (NM_001127511.3); c.2413A>G, p.Ser805Gly (NM_001354896.2); c.2389A>G, p.Ser797Gly (NM_001354897.2); c.2284A>G, p.Ser762Gly (NM_001354898.2); c.2275A>G, p.Ser759Gly (NM_001354899.2); c.2236A>G, p.Ser746Gly (NM_001354900.2); and 5 more; short protein forms S787G, S769G, S686G, S759G, S797G, S805G, S627G, S762G.
Identifiers: ClinVar variation 469744 (VCV000469744.20), dbSNP rs748075979, ClinGen allele CA031761.

ClinVar aggregate classification (germline): Conflicting classifications of pathogenicity. Review status: criteria provided, conflicting classifications (1 of 4 stars). 5 submissions from 5 submitters: Uncertain significance (4); Likely benign (1). Last evaluated 2025-11-25.

Conditions:
Familial adenomatous polyposis 1 (FAP1). Also called: POLYPOSIS, ADENOMATOUS INTESTINAL; FAMILIAL ADENOMATOUS POLYPOSIS 1, ATTENUATED. Identifiers: MedGen C2713442, MONDO:0021056, OMIM 175100. Disease mechanism: loss of function.
Hereditary cancer-predisposing syndrome. Also called: Hereditary neoplastic syndrome; Neoplastic Syndromes, Hereditary; Tumor predisposition; Hereditary Cancer Syndrome. Identifiers: Orphanet 140162, MedGen C0027672, MeSH D009386, MONDO:0015356.
Classic or attenuated familial adenomatous polyposis. Identifiers: MedGen CN372698, MONDO:0021057.

Allele frequency attached by ClinVar (database versions not stated): gnomAD exomes below 0.00001 and 0.00001; ExAC 0.00002; gnomAD 0.00002; TOPMed 0.00002.
gnomAD v4.1: 4 of 1,614,046 alleles (0.00025%); highest among the groups gnomAD compares: African/African-American, 0.0053%; no homozygotes.

Submissions (5):

Labcorp Genetics (formerly Invitae), Labcorp
Classification: Uncertain significance for Familial adenomatous polyposis 1. Last evaluated: 2025-11-25. Review status: criteria provided, single submitter. Criteria: Invitae Variant Classification Sherloc (09022015). Collection method: clinical testing. Allele origin: germline.
Comment: This sequence change replaces serine, which is neutral and polar, with glycine, which is neutral and non-polar, at codon 787 of the APC protein (p.Ser787Gly). This variant is present in population databases (rs748075979, gnomAD 0.007%). This variant has not been reported in the literature in individuals affected with APC-related conditions. ClinVar contains an entry for this variant (Variation ID: 469744). Invitae Evidence Modeling of protein sequence and biophysical properties (such as structural, functional, and spatial information, amino acid conservation, physicochemical variation, residue mobility, and thermodynamic stability) indicates that this missense variant is not expected to disrupt APC protein function with a negative predictive value of 95%. In summary, the available evidence is currently insufficient to determine the role of this variant in disease. Therefore, it has been classified as a Variant of Uncertain Significance.

All of Us Research Program, National Institutes of Health
Classification: Uncertain significance for Classic or attenuated familial adenomatous polyposis. Last evaluated: 2023-10-06. Review status: criteria provided, single submitter. Criteria: ACMG Guidelines, 2015. Collection method: clinical testing. Allele origin: germline. Inheritance: Autosomal dominant inheritance. Observed: 3 variant alleles, 3 heterozygotes.
Comment: This missense variant replaces serine with glycine at codon 787 of the APC protein. Computational prediction suggests that this variant may not impact protein structure and function (internally defined REVEL score threshold <= 0.5, PMID: 27666373). To our knowledge, functional studies have not been reported for this variant. This variant has not been reported in individuals affected with APC-related disorders in the literature. This variant has been identified in 2/250772 chromosomes in the general population by the Genome Aggregation Database (gnomAD). The available evidence is insufficient to determine the role of this variant in disease conclusively. Therefore, this variant is classified as a Variant of Uncertain Significance.

This study involves interpretation of variants in research participants for the purpose of population health screening. Participant phenotype was not available at the time of variant classification. Additional details can be found in publication PMID: 35346344, PMCID: PMC8962531

Baylor Genetics
Classification: Uncertain significance for Familial adenomatous polyposis 1. Last evaluated: 2023-10-03. Review status: criteria provided, single submitter. Criteria: ACMG Guidelines, 2015. Collection method: clinical testing. Allele origin: unknown.

Color Diagnostics, LLC DBA Color Health
Classification: Uncertain significance for Hereditary cancer-predisposing syndrome. Last evaluated: 2023-09-27. Review status: criteria provided, single submitter. Criteria: ACMG Guidelines, 2015. Collection method: clinical testing. Allele origin: germline.
Comment: This missense variant replaces serine with glycine at codon 787 of the APC protein. Computational prediction suggests that this variant may not impact protein structure and function (internally defined REVEL score threshold <= 0.5, PMID: 27666373). To our knowledge, functional studies have not been reported for this variant. This variant has not been reported in individuals affected with APC-related disorders in the literature. This variant has been identified in 2/250772 chromosomes in the general population by the Genome Aggregation Database (gnomAD). The available evidence is insufficient to determine the role of this variant in disease conclusively. Therefore, this variant is classified as a Variant of Uncertain Significance.

Ambry Genetics
Classification: Likely benign for Hereditary cancer-predisposing syndrome. Last evaluated: 2023-02-24. Review status: criteria provided, single submitter. Criteria: Ambry Variant Classification Scheme 2023. Collection method: clinical testing. Allele origin: germline.